The following is an entry in ClinVar:

NM_004434.3(EML1):c.1398T>C (p.Leu466=)

Gene: EML1 (EMAP like 1; plus strand). Cytogenetic location: 14q32.2.
Variant type: single nucleotide variant.
Coding change: c.1398T>C on transcript NM_004434.3 (MANE Select); coding-DNA position 1398, T replaced by C.
Protein change: p.Leu466=; no amino-acid change (leucine 466 retained).
Molecular consequence: synonymous variant.
Genome position (GRCh38, 1-based): chr14:99,911,480, T>C. VCF-style: chr14-99911480-T-C. GRCh37 (hg19) VCF-style: chr14-100377817-T-C.
Other names: c.1455T>C, p.Leu485= (NM_001008707.2); c.1359T>C, p.Leu453= (NM_001375411.1); c.1398T>C, p.Leu466= (NM_001375412.1).
Identifiers: ClinVar variation 3057263 (VCV003057263.2), dbSNP rs1297429703, ClinGen allele CA487879185.

ClinVar aggregate classification (germline): Likely benign (0 of 4 stars; one submission).

Conditions:
EML1-related disorder. Also called: EML1-related condition.

Allele frequency attached by ClinVar (database versions not stated): gnomAD exomes 0.00001.
gnomAD v4.1: 3 of 1,612,872 alleles (0.00019%); highest among the groups gnomAD compares: African/African-American, 0.0027%; no homozygotes.

Submission:

PreventionGenetics, part of Exact Sciences
Classification: Likely benign for EML1-related condition. Last evaluated: 2019-03-12. Review status: no assertion criteria provided. Collection method: clinical testing. Allele origin: germline.
Comment: This variant is classified as likely benign based on ACMG/AMP sequence variant interpretation guidelines (Richards et al. 2015 PMID: 25741868, with internal and published modifications).